The following is an entry in ClinVar:

ClinVar aggregate classification (germline): Conflicting classifications of pathogenicity. Review status: criteria provided, conflicting classifications (1 of 4 stars). 8 submissions from 8 submitters: Uncertain significance (1); Benign (1); Likely benign (6). Last evaluated 2025-10-20.

Conditions:
Von Hippel-Lindau syndrome (VHLS). Also called: Von Hippel-Lindau; von Hippel–Lindau syndrome; VHL syndrome. Identifiers: Orphanet 892, MedGen C0019562, MONDO:0008667, OMIM 193300. Disease mechanism: loss of function.
Chuvash polycythemia. Also called: POLYCYTHEMIA, VHL-DEPENDENT. Identifiers: Orphanet 238557, MedGen C1837915, MONDO:0009892, OMIM 263400.
Hereditary cancer-predisposing syndrome. Also called: Hereditary Cancer Syndrome; Hereditary neoplastic syndrome; Tumor predisposition; Neoplastic Syndromes, Hereditary. Identifiers: Orphanet 140162, MedGen C0027672, MeSH D009386, MONDO:0015356.

Allele frequency attached by ClinVar (database versions not stated): gnomAD 0.00001; TOPMed 0.00001.
gnomAD v4.1: 2 of 1,544,916 alleles (0.00013%); highest among the groups gnomAD compares: African/African-American, 0.0027%; no homozygotes.

Submissions (8):

Labcorp Genetics (formerly Invitae), Labcorp
Classification: Likely benign for Von Hippel-Lindau syndrome; Chuvash polycythemia. Last evaluated: 2025-10-20. Review status: criteria provided, single submitter. Criteria: Invitae Variant Classification Sherloc (09022015). Collection method: clinical testing. Allele origin: germline.

Quest Diagnostics Nichols Institute San Juan Capistrano
Classification: Likely benign. Last evaluated: 2025-10-14. Review status: criteria provided, single submitter. Criteria: Quest Diagnostics criteria. Collection method: clinical testing. Allele origin: unknown.

Myriad Genetics, Inc.
Classification: Benign for Von Hippel-Lindau syndrome. Last evaluated: 2025-06-10. Review status: criteria provided, single submitter. Criteria: Myriad Autosomal Dominant, Autosomal Recessive and X-Linked Classification Criteria (2023). Collection method: clinical testing. Allele origin: unknown.
Comment: This variant is considered benign. This variant is a silent/synonymous amino acid change and it is not expected to impact splicing.

All of Us Research Program, National Institutes of Health
Classification: Likely benign for Von Hippel-Lindau syndrome. Last evaluated: 2023-03-07. Review status: criteria provided, single submitter. Criteria: ACMG Guidelines, 2015. Collection method: clinical testing. Allele origin: germline. Inheritance: Autosomal dominant inheritance. Observed: 1 variant allele, 1 heterozygote.
Comment: This study involves interpretation of variants in research participants for the purpose of population health screening. Participant phenotype was not available at the time of variant classification. Additional details can be found in publication PMID: 35346344, PMCID: PMC8962531

Color Diagnostics, LLC DBA Color Health
Classification: Likely benign for Von Hippel-Lindau syndrome. Last evaluated: 2022-03-31. Review status: criteria provided, single submitter. Criteria: ACMG Guidelines, 2015. Collection method: clinical testing. Allele origin: germline.

GeneDx
Classification: Likely benign. Last evaluated: 2021-06-17. Review status: criteria provided, single submitter. Criteria: GeneDx Variant Classification Process June 2021. Collection method: clinical testing. Allele origin: germline. Affected: yes.

Ambry Genetics
Classification: Likely benign for Hereditary cancer-predisposing syndrome. Last evaluated: 2018-10-11. Review status: criteria provided, single submitter. Criteria: Ambry Variant Classification Scheme 2023. Collection method: clinical testing. Allele origin: germline.

Illumina Laboratory Services, Illumina
Classification: Uncertain significance for Von Hippel-Lindau syndrome. Last evaluated: 2018-01-13. Review status: criteria provided, single submitter. Criteria: ICSL Variant Classification Criteria 13 December 2019. Collection method: clinical testing. Allele origin: germline.

NM_000551.4(VHL):c.105C>G (p.Ala35=)

Gene: VHL (von Hippel-Lindau tumor suppressor; plus strand). Cytogenetic location: 3p25.3.
Variant type: single nucleotide variant.
Coding change: c.105C>G on transcript NM_000551.4 (MANE Select); coding-DNA position 105, C replaced by G.
Protein change: p.Ala35=; no amino-acid change (alanine 35 retained).
Molecular consequence: synonymous variant.
Genome position (GRCh38, 1-based): chr3:10,141,952, C>G. VCF-style: chr3-10141952-C-G. GRCh37 (hg19) VCF-style: chr3-10183636-C-G.
Other names: c.105C>G, p.Ala35= (NM_001354723.2, NM_198156.3).
Identifiers: ClinVar variation 456569 (VCV000456569.23), dbSNP rs1310829877, ClinGen allele CA432536266.